The following is an entry in ClinVar:

ClinVar aggregate classification (germline): Uncertain significance (1 of 4 stars; one submission).

gnomAD v4.1: 1 of 1,584,224 alleles (0.000063%); highest among the groups gnomAD compares: Non-Finnish European, 0.000086%; no homozygotes.

Submission:

Women's Health and Genetics/Laboratory Corporation of America, LabCorp
Classification: Uncertain significance. Last evaluated: 2025-10-13. Review status: criteria provided, single submitter. Criteria: LabCorp Variant Classification Summary - May 2015. Collection method: clinical testing. Allele origin: germline.
Comment: Variant summary: TTN c.61133T>G (p.Ile20378Ser) results in a non-conservative amino acid change located in the A-band region of the encoded protein sequence. Algorithms developed to predict the effect of missense changes on protein structure and function all suggest that this variant is likely to be disruptive. The variant allele was found at a frequency of 4.3e-06 in 231314 control chromosomes. The available data on variant occurrences in the general population are insufficient to allow any conclusion about variant significance. To our knowledge, no occurrence of c.61133T>G in individuals affected with TTN-related conditions and no experimental evidence demonstrating its impact on protein function have been reported. No submitters have cited clinical-significance assessments for this variant to ClinVar. Based on the evidence outlined above, the variant was classified as uncertain significance.

NM_001267550.2(TTN):c.68837T>G (p.Ile22946Ser)

Genes: TTN (titin; minus strand), TTN-AS1 (TTN antisense RNA 1; plus strand). Cytogenetic location: 2q31.2.
Variant type: single nucleotide variant.
Coding change: c.68837T>G on transcript NM_001267550.2 (MANE Select); coding-DNA position 68837, T replaced by G.
Protein change: p.Ile22946Ser; replaces isoleucine 22946 with serine.
Molecular consequence: missense variant.
Genome position (GRCh38, 1-based): chr2:178,577,498, A>C on the plus strand (T>G on the coding strand, the complement: TTN is on the minus strand). VCF-style: chr2-178577498-A-C. GRCh37 (hg19) VCF-style: chr2-179442225-A-C.
Other names: c.63914T>G, p.Ile21305Ser (NM_001256850.1); c.41642T>G, p.Ile13881Ser (NM_003319.4); c.61133T>G, p.Ile20378Ser (NM_133378.4); c.42017T>G, p.Ile14006Ser (NM_133432.3); c.42218T>G, p.Ile14073Ser (NM_133437.4); short protein forms I13881S, I14006S, I14073S, I20378S, I21305S, I22946S.
Identifiers: ClinVar variation 4687331 (VCV004687331.1).